The following is an entry in ClinVar:

ClinVar aggregate classification (germline): Uncertain significance (1 of 4 stars; one submission).

Conditions:
Glycogen storage disease due to muscle and heart glycogen synthase deficiency. Also called: GSD 0b; MUSCLE GLYCOGEN SYNTHASE DEFICIENCY. Identifiers: Orphanet 137625, MedGen C1969054, MONDO:0012693, OMIM 611556.

Submission:

Labcorp Genetics (formerly Invitae), Labcorp
Classification: Uncertain significance for Glycogen storage disease due to muscle and heart glycogen synthase deficiency. Last evaluated: 2022-06-17. Review status: criteria provided, single submitter. Criteria: Invitae Variant Classification Sherloc (09022015). Collection method: clinical testing. Allele origin: germline.
Comment: In summary, the available evidence is currently insufficient to determine the role of this variant in disease. Therefore, it has been classified as a Variant of Uncertain Significance. Algorithms developed to predict the effect of sequence changes on RNA splicing suggest that this variant may create or strengthen a splice site. This variant has not been reported in the literature in individuals affected with GYS1-related conditions. This variant is not present in population databases (gnomAD no frequency). This sequence change affects codon 566 of the GYS1 mRNA. It is a 'silent' change, meaning that it does not change the encoded amino acid sequence of the GYS1 protein.

NM_002103.5(GYS1):c.1698G>A (p.Gln566=)

Gene: GYS1 (glycogen synthase 1; minus strand). Cytogenetic location: 19q13.33.
Variant type: single nucleotide variant.
Coding change: c.1698G>A on transcript NM_002103.5 (MANE Select); coding-DNA position 1698, G replaced by A.
Protein change: p.Gln566=; no amino-acid change (glutamine 566 retained).
Molecular consequence: synonymous variant. On other transcripts: non-coding transcript variant (1).
Genome position (GRCh38, 1-based): chr19:48,970,657, C>T on the plus strand (G>A on the coding strand, the complement: GYS1 is on the minus strand). VCF-style: chr19-48970657-C-T. GRCh37 (hg19) VCF-style: chr19-49473914-C-T.
Other names: c.1506G>A, p.Gln502= (NM_001161587.2).
Identifiers: ClinVar variation 1953312 (VCV001953312.5), dbSNP rs2513705311, ClinGen allele CA508276954.
Genomic context (GRCh38, chr19:48,970,657, plus strand): 5'-CCGCTGGATGATACGCTGCCGCCGGCTCTGCTGACAGAAACTGTAGAGGAAGGAGGTGAG[C>T]TGCGAGCAGGAATCATCCAGGCTGCGGAACCGCCGGTCAAGAATGTAGATACCTGTGGAG-3'
Protein context (NP_002094.2, residues 556-576): RFRSLDDSCS[Gln566=]LTSFLYSFCQ